The following is an entry in ClinVar:

ClinVar aggregate classification (germline): Pathogenic/Likely pathogenic. Review status: criteria provided, multiple submitters, no conflicts (2 of 4 stars). 5 submissions from 5 submitters: Pathogenic (3); Likely pathogenic (1). 1 of the submissions does not count toward it. Last evaluated 2025-08-14.

Conditions:
Familial cancer of breast. Also called: Hereditary breast cancer; BREAST CANCER, FAMILIAL; hereditary breast carcinoma. Identifiers: Orphanet 227535, MedGen C0346153, MONDO:0016419, OMIM 114480. Disease mechanism: loss of function.
Hereditary cancer-predisposing syndrome. Also called: Tumor predisposition; Neoplastic Syndromes, Hereditary; Hereditary Cancer Syndrome; Hereditary neoplastic syndrome. Identifiers: Orphanet 140162, MedGen C0027672, MeSH D009386, MONDO:0015356.
Ataxia-telangiectasia syndrome (AT). Also called: Ataxia telangiectasia (A-T); ATAXIA-TELANGIECTASIA, COMPLEMENTATION GROUP A; ATAXIA-TELANGIECTASIA, FRESNO VARIANT; Ataxia-telangiectasia; LOUIS-BAR SYNDROME; Cerebello-oculocutaneous telangiectasia. Identifiers: Orphanet 100, MedGen C0004135, MONDO:0008840, OMIM 208900.

Allele frequency attached by ClinVar (database versions not stated): gnomAD exomes below 0.00001.

Submissions (5):

Natera, Inc.
Classification: Likely pathogenic for Ataxia-telangiectasia. Last evaluated: 2025-08-14. Review status: criteria provided, single submitter. Criteria: Natera Variant Classification Schema (03/2026). Collection method: clinical testing. Allele origin: germline.
Comment: The c.1305del variant in ATM is a frameshift variant predicted to shift the reading frame beginning at codon 435 and leads to a stop codon 2 codons downstream. This variant is expected to result in nonsense mediated decay, truncation, or a dysfunctional protein product. This variant is rare in the general population with a frequency below the threshold expected for the associated phenotype(s). Given the available evidence, this variant is classified as Likely Pathogenic.

Ambry Genetics
Classification: Pathogenic for Hereditary cancer-predisposing syndrome. Last evaluated: 2024-12-22. Review status: criteria provided, single submitter. Criteria: Ambry Variant Classification Scheme 2023. Collection method: clinical testing. Allele origin: germline.
Comment: The c.1305delA pathogenic mutation, located in coding exon 9 of the ATM gene, results from a deletion of one nucleotide at nucleotide position 1305, causing a translational frameshift with a predicted alternate stop codon (p.L435Ffs*2). This alteration is expected to result in loss of function by premature protein truncation or nonsense-mediated mRNA decay. As such, this alteration is interpreted as a disease-causing mutation.

Myriad Genetics, Inc.
Classification: Pathogenic for Familial cancer of breast. Last evaluated: 2024-01-16. Review status: criteria provided, single submitter. Criteria: Myriad Autosomal Dominant, Autosomal Recessive and X-Linked Classification Criteria (2023). Collection method: clinical testing. Allele origin: unknown.
Comment: This variant is considered pathogenic. This variant creates a frameshift predicted to result in premature protein truncation.

Labcorp Genetics (formerly Invitae), Labcorp
Classification: Pathogenic for Ataxia-telangiectasia syndrome. Last evaluated: 2020-05-26. Review status: criteria provided, single submitter. Criteria: Invitae Variant Classification Sherloc (09022015). Collection method: clinical testing. Allele origin: germline.
Comment: This sequence change creates a premature translational stop signal (p.Leu435Phefs*2) in the ATM gene. It is expected to result in an absent or disrupted protein product. This variant is not present in population databases (ExAC no frequency). This variant has not been reported in the literature in individuals with ATM-related conditions. ClinVar contains an entry for this variant (Variation ID: 558225). Loss-of-function variants in ATM are known to be pathogenic (PMID: 23807571, 25614872). For these reasons, this variant has been classified as Pathogenic.

Counsyl
Classification: Likely pathogenic for Ataxia-telangiectasia syndrome. Last evaluated: 2018-05-08. Review status: no assertion criteria provided. Collection method: clinical testing. Allele origin: unknown. Not counted in ClinVar's aggregate classification.

Literature cited by the submitters: PubMed 23807571 (cited by Labcorp Genetics (formerly Invitae), Labcorp); PubMed 25614872 (cited by Labcorp Genetics (formerly Invitae), Labcorp).

NM_000051.4(ATM):c.1305del (p.Leu435fs)

Gene: ATM (ATM serine/threonine kinase; plus strand). Cytogenetic location: 11q22.3.
Variant type: Deletion.
Coding change: c.1305del on transcript NM_000051.4 (MANE Select); coding-DNA position 1305, one base deleted (A; older notation c.1305delA).
Protein change: p.Leu435fs; shifts the reading frame from leucine 435.
Molecular consequence: frameshift variant.
Genome position (GRCh38, 1-based): chr11:108,250,770, A deleted. VCF-style (leftmost placement, unchanged base first): chr11-108250769-TA-T. GRCh37 (hg19) VCF-style: chr11-108121496-TA-T.
Other names: c.1305del (NM_000051.3); c.1305del, p.Leu435fs (NM_001351834.2); c.1305delA (NM_000051.3); short protein forms L435fs.
Identifiers: ClinVar variation 558225 (VCV000558225.13), dbSNP rs1555070719, ClinGen allele CA658821427.